The following is an entry in ClinVar:

NM_176824.3(BBS7):c.1399dup (p.Thr467fs)

Gene: BBS7 (Bardet-Biedl syndrome 7; minus strand). Cytogenetic location: 4q27.
Variant type: Duplication.
Coding change: c.1399dup on transcript NM_176824.3 (MANE Select); coding-DNA position 1399, one base duplicated (A; older notation c.1399dupA).
Protein change: p.Thr467fs; shifts the reading frame from threonine 467.
Molecular consequence: frameshift variant.
Genome position (GRCh38, 1-based): chr4:121,835,256, T duplicated on the plus strand (A on the coding strand, the reverse complement: BBS7 is on the minus strand). VCF-style (leftmost placement, unchanged base first): chr4-121835255-G-GT. GRCh37 (hg19) VCF-style: chr4-122756410-G-GT.
Other names: c.1399dup, p.Thr467fs (NM_018190.4); short protein forms T467fs.
Identifiers: ClinVar variation 4712737 (VCV004712737.1).

ClinVar aggregate classification (germline): Pathogenic (1 of 4 stars; one submission).

Conditions:
Bardet-Biedl syndrome (BBS). Identifiers: Orphanet 110, MedGen C0752166, MONDO:0015229.

Submission:

Labcorp Genetics (formerly Invitae), Labcorp
Classification: Pathogenic for Bardet-Biedl syndrome. Last evaluated: 2025-02-10. Review status: criteria provided, single submitter. Criteria: Invitae Variant Classification Sherloc (09022015). Collection method: clinical testing. Allele origin: germline.
Comment: This sequence change creates a premature translational stop signal (p.Thr467Asnfs*35) in the BBS7 gene. It is expected to result in an absent or disrupted protein product. Loss-of-function variants in BBS7 are known to be pathogenic (PMID: 12567324, 19402160, 21209035, 31196119). This variant is not present in population databases (gnomAD no frequency). This variant has not been reported in the literature in individuals affected with BBS7-related conditions. For these reasons, this variant has been classified as Pathogenic.

Literature cited by the submitters: PubMed 12567324; PubMed 19402160; PubMed 21209035; PubMed 31196119.